The following is an entry in ClinVar:

ClinVar aggregate classification (germline): Uncertain significance (1 of 4 stars; one submission).

Submission:

Labcorp Genetics (formerly Invitae), Labcorp
Classification: Uncertain significance. Last evaluated: 2022-10-13. Review status: criteria provided, single submitter. Criteria: Invitae Variant Classification Sherloc (09022015). Collection method: clinical testing. Allele origin: germline.
Comment: In summary, the available evidence is currently insufficient to determine the role of this variant in disease. Therefore, it has been classified as a Variant of Uncertain Significance. This variant disrupts a region of the GPR143 protein in which other variant(s) (p.Gly312Val) have been observed in individuals with GPR143-related conditions (PMID: 21541274). This suggests that this is a clinically significant region of the protein, and that variants that disrupt it are likely to be disease-causing. This variant has not been reported in the literature in individuals affected with GPR143-related conditions. This variant is a gross deletion of the genomic region encompassing exon(s) 8-9 of the GPR143 gene, which includes the termination codon. This deletion extends beyond the assayed region for this gene and therefore may encompass additional genes. While this deletion is not anticipated to lead to nonsense mediated decay, it is expected to alter mRNA translation or result in a truncated protein product.

Literature cited by the submitters: PubMed 21541274.

NC_000023.10:g.(?_9693786)_(9707779_?)del

Gene: GPR143 (G protein-coupled receptor 143; minus strand). Cytogenetic location: Xp22.2.
Variant type: Deletion.
Identifiers: ClinVar variation 1372657 (VCV001372657.5).